The following is an entry in ClinVar:

NM_001164277.2(SLC37A4):c.*125G>C

Gene: SLC37A4 (solute carrier family 37 member 4; minus strand). Cytogenetic location: 11q23.3.
Variant type: single nucleotide variant.
Coding change: c.*125G>C on transcript NM_001164277.2 (MANE Select); 125 bases downstream of the stop codon, G replaced by C.
Molecular consequence: 3 prime UTR variant.
Genome position (GRCh38, 1-based): chr11:119,024,785, C>G on the plus strand (G>C on the coding strand, the complement: SLC37A4 is on the minus strand). VCF-style: chr11-119024785-C-G. GRCh37 (hg19) VCF-style: chr11-118895495-C-G.
Other names: c.*125G>C (NM_001164278.2, NM_001164279.2, NM_001164280.2 and 1 more transcripts).
Identifiers: ClinVar variation 302701 (VCV000302701.8), dbSNP rs8301, ClinGen allele CA10633606.
Genomic context (GRCh38, chr11:119,024,785, plus strand): 5'-ATAGGATCAGGGAGCTGGGACCTCACTAGCCACTGATAACTTCCAGCGCCACCCGGGTGA[C>G]AGAAAAGGCGCAGAAATGGAAAGTGAAAGGTTCAGGGCTAGCCAGGCAGGCCCCTCCTTT-3'

ClinVar aggregate classification (germline): Benign. Review status: criteria provided, multiple submitters, no conflicts (2 of 4 stars). 3 submissions from 3 submitters: Benign (3). Last evaluated 2018-06-23.

Conditions:
Glycogen storage disease, type I. Identifiers: Orphanet 364, MedGen C0017920, MONDO:0002413.

Allele frequency attached by ClinVar (database versions not stated): gnomAD exomes 0.27421; TOPMed 0.27986; 1000 Genomes Project 0.28355; gnomAD 0.28518 and 0.28659; 1000 Genomes Project 30x 0.28716.

Submissions (3):

GeneDx
Classification: Benign. Last evaluated: 2018-06-23. Review status: criteria provided, single submitter. Criteria: GeneDx Variant Classification Process June 2021. Collection method: clinical testing. Allele origin: germline. Affected: yes.

Illumina Laboratory Services, Illumina
Classification: Benign for Glycogen storage disease, type I. Last evaluated: 2018-01-12. Review status: criteria provided, single submitter. Criteria: ICSL Variant Classification Criteria 13 December 2019. Collection method: clinical testing. Allele origin: germline.
Comment: This variant was observed in the ICSL laboratory as part of a predisposition screen in an ostensibly healthy population. It had not been previously curated by ICSL or reported in the Human Gene Mutation Database (HGMD: prior to June 1st, 2018), and was therefore a candidate for classification through an automated scoring system. Utilizing variant allele frequency, disease prevalence and penetrance estimates, and inheritance mode, an automated score was calculated to assess if this variant is too frequent to cause the disease. Based on the score and internal cut-off values, a variant classified as benign is not then subjected to further curation. The score for this variant resulted in a classification of benign for this disease.

Breakthrough Genomics
Classification: Benign. Review status: criteria provided, single submitter. Criteria: ACMG Guidelines, 2015. Collection method: not provided. Allele origin: germline. Inheritance: Autosomal recessive inheritance. Affected: yes.